The following is an entry in ClinVar:

ClinVar aggregate classification (germline): Conflicting classifications of pathogenicity. Review status: criteria provided, conflicting classifications (1 of 4 stars). 2 submissions from 2 submitters: Uncertain significance (1); Likely benign (1). Last evaluated 2025-06-05.

Conditions:
Tuberous sclerosis 2 (TSC2). Identifiers: Orphanet 805, MedGen C1860707, MONDO:0013199, OMIM 613254.

Submissions (2):

Myriad Genetics, Inc.
Classification: Likely benign for Tuberous sclerosis 2. Last evaluated: 2025-06-05. Review status: criteria provided, single submitter. Criteria: Myriad Autosomal Dominant, Autosomal Recessive and X-Linked Classification Criteria (2023). Collection method: clinical testing. Allele origin: unknown.
Comment: This variant is considered likely benign. This variant is intronic and is not expected to impact mRNA splicing.

Labcorp Genetics (formerly Invitae), Labcorp
Classification: Uncertain significance for Tuberous sclerosis 2. Last evaluated: 2020-12-24. Review status: criteria provided, single submitter. Criteria: Invitae Variant Classification Sherloc (09022015). Collection method: clinical testing. Allele origin: germline.
Comment: This sequence change falls in intron 38 of the TSC2 gene. It does not directly change the encoded amino acid sequence of the TSC2 protein, but it affects a nucleotide within the consensus splice site of the intron. In summary, the available evidence is currently insufficient to determine the role of this variant in disease. Therefore, it has been classified as a Variant of Uncertain Significance. Algorithms developed to predict the effect of sequence changes on RNA splicing suggest that this variant is not likely to affect RNA splicing, but this prediction has not been confirmed by published transcriptional studies. This variant has not been reported in the literature in individuals with TSC2-related conditions. This variant is not present in population databases (ExAC no frequency).

NM_000548.5(TSC2):c.4989+6dup

Gene: TSC2 (TSC complex subunit 2; plus strand). Cytogenetic location: 16p13.3.
Variant type: Duplication.
Coding change: c.4989+6dup on transcript NM_000548.5 (MANE Select); 6 bases into the intron after coding-DNA position 4989, one base duplicated (T; older notation c.4989+6dupT).
Molecular consequence: intron variant.
Genome position (GRCh38, 1-based): chr16:2,086,877, T duplicated. VCF-style (leftmost placement, unchanged base first): chr16-2086876-G-GT. GRCh37 (hg19) VCF-style: chr16-2136877-G-GT.
Other names: c.4920+6dup (NM_001114382.3); c.4860+6dup (NM_021055.3, NM_001370405.1); c.4791+6dup (NM_001363528.2); c.4857+6dup (NM_001370404.1); c.4788+6dup (NM_001077183.3); c.4680+6dup (NM_001318827.2); c.4257+6dup (NM_001318831.2); c.4644+6dup (NM_001318829.2); and 1 more.
Identifiers: ClinVar variation 1359471 (VCV001359471.9), dbSNP rs2151590002, ClinGen allele CA2573151959.
Genomic context (GRCh38, chr16:2,086,876, plus strand): 5'-TTGTGTCCATTGTCTACAATGACTCCGGTGAGGACTTCAAGCTTGGCACCATCAAGGTGA[G>GT]TGAGGGGCCGTCAGTGAGGCTGGGCCCCAGGCAGGTGCCCACTGCTGTGTCCCGGGTTGG-3'